The following is an entry in ClinVar:

ClinVar aggregate classification (germline): Likely benign (1 of 4 stars; one submission).

Allele frequency attached by ClinVar (database versions not stated): gnomAD exomes 0.00003; ExAC 0.00015; 1000 Genomes Project 0.00020; 1000 Genomes Project 30x 0.00031; ESP Exome Variant Server 0.00048; gnomAD 0.00054; TOPMed 0.00061.

Submission:

CeGaT Center for Human Genetics Tuebingen
Classification: Likely benign. Last evaluated: 2022-05-01. Review status: criteria provided, single submitter. Criteria: CeGaT Center For Human Genetics Tuebingen Variant Classification Criteria Version 2. Collection method: clinical testing. Allele origin: germline. Affected: yes. Observed: 2 variant alleles.
Comment: MUC2: BP4, BP7

NM_002457.5(MUC2):c.14148C>T (p.His4716=)

Gene: MUC2 (mucin 2, oligomeric mucus/gel-forming; plus strand). Cytogenetic location: 11p15.5.
Variant type: single nucleotide variant.
Coding change: c.14148C>T on transcript NM_002457.5 (MANE Select); coding-DNA position 14148, C replaced by T.
Protein change: p.His4716=; no amino-acid change (histidine 4716 retained).
Molecular consequence: synonymous variant.
Genome position (GRCh38, 1-based): chr11:1,105,322, C>T. VCF-style: chr11-1105322-C-T. GRCh37 (hg19) VCF-style: chr11-1099230-C-T.
Identifiers: ClinVar variation 2641159 (VCV002641159.24), dbSNP rs373310699, ClinGen allele CA5801101.